The following is an entry in ClinVar:

NM_152296.5(ATP1A3):c.2325G>A (p.Pro775=)

Gene: ATP1A3 (ATPase Na+/K+ transporting subunit alpha 3; minus strand). Cytogenetic location: 19q13.2.
Variant type: single nucleotide variant.
Coding change: c.2325G>A on transcript NM_152296.5 (MANE Select); coding-DNA position 2325, G replaced by A.
Protein change: p.Pro775=; no amino-acid change (proline 775 retained).
Molecular consequence: synonymous variant.
Genome position (GRCh38, 1-based): chr19:41,970,481, C>T on the plus strand (G>A on the coding strand, the complement: ATP1A3 is on the minus strand). VCF-style: chr19-41970481-C-T. GRCh37 (hg19) VCF-style: chr19-42474633-C-T.
Other names: c.2358G>A, p.Pro786= (NM_001256213.2); c.2364G>A, p.Pro788= (NM_001256214.2).
Identifiers: ClinVar variation 699221 (VCV000699221.51), dbSNP rs150943961, ClinGen allele CA9467414.

ClinVar aggregate classification (germline): Likely benign. Review status: criteria provided, multiple submitters, no conflicts (2 of 4 stars). 2 submissions from 2 submitters: Likely benign (2). Last evaluated 2026-08-01.

Conditions:
Dystonia 12 (DYT12). Also called: Rapid-Onset Dystonia-Parkinsonism (RDP); DYT-ATP1A3. Identifiers: Orphanet 71517, MedGen C1868681, MONDO:0007496, OMIM 128235.

Allele frequency attached by ClinVar (database versions not stated): gnomAD 0.00005; gnomAD exomes 0.00006 and 0.00007; ExAC 0.00008; TOPMed 0.00008; ESP Exome Variant Server 0.00015.
gnomAD v4.1: 103 of 1,613,968 alleles (0.0064%); highest among the groups gnomAD compares: East Asian, 0.033%; no homozygotes.

Submissions (2):

CeGaT Center for Human Genetics Tuebingen
Classification: Likely benign. Last evaluated: 2026-08-01. Review status: criteria provided, single submitter. Criteria: CeGaT Center For Human Genetics Tuebingen Variant Classification Criteria Version 2. Collection method: clinical testing. Allele origin: germline. Affected: yes. Observed: 4 variant alleles.
Comment: ATP1A3: BP4, BP7

Labcorp Genetics (formerly Invitae), Labcorp
Classification: Likely benign for Dystonia 12. Last evaluated: 2025-11-24. Review status: criteria provided, single submitter. Criteria: Invitae Variant Classification Sherloc (09022015). Collection method: clinical testing. Allele origin: germline.